The following is an entry in ClinVar:

ClinVar aggregate classification (germline): Benign/Likely benign. Review status: criteria provided, multiple submitters, no conflicts (2 of 4 stars). 4 submissions from 4 submitters: Benign (3); Likely benign (1). Last evaluated 2026-01-16.

Conditions:
Progressive sclerosing poliodystrophy (MTDPS4A). Also called: Alpers-Huttenlocher Syndrome; Mitochondrial DNA Depletion Syndrome 4A; ALPERS PROGRESSIVE INFANTILE POLIODYSTROPHY; ALPERS DIFFUSE DEGENERATION OF CEREBRAL GRAY MATTER WITH HEPATIC CIRRHOSIS; Alpers Syndrome; Alpers-Huttenlocher Syndrome (AHS). Identifiers: Orphanet 726, MedGen C0205710, MONDO:0008758, OMIM 203700.

Allele frequency attached by ClinVar (database versions not stated): gnomAD below 0.00001 and 0.00013; TOPMed 0.00005; ExAC 0.00029; 1000 Genomes Project 30x 0.00031; gnomAD exomes 0.00035; 1000 Genomes Project 0.00040.
gnomAD v4.1: 331 of 1,510,744 alleles (0.022%); highest among the groups gnomAD compares: South Asian, 0.4%; 4 homozygotes.

Submissions (4):

Labcorp Genetics (formerly Invitae), Labcorp
Classification: Benign for Progressive sclerosing poliodystrophy. Last evaluated: 2026-01-16. Review status: criteria provided, single submitter. Criteria: Invitae Variant Classification Sherloc (09022015). Collection method: clinical testing. Allele origin: germline.

Blueprint Genetics
Classification: Likely benign. Last evaluated: 2024-11-08. Review status: criteria provided, single submitter. Criteria: ACMG Guidelines, 2015. Collection method: clinical testing. Allele origin: germline.

Wong Mito Lab, Molecular and Human Genetics, Baylor College of Medicine
Classification: Benign for Progressive sclerosing poliodystrophy. Last evaluated: 2018-10-01. Review status: criteria provided, single submitter. Criteria: ACMG Guidelines, 2015. Collection method: clinical testing. Allele origin: germline.
Comment: The NM_002693.2:c.659+11G>T (NP_002684.1:p.=) [GRCH38: NC_000015.10:g.89333085C>A] variant in POLG gene is interpretated to be a Benign based on ACMG guidelines (PMID: 25741868). This variant meets the following evidence codes reported in the ACMG-guideline. BS1:The minor allele frequency of this allele is high for Mitochondrial DNA depletion syndrome 4A (Alpers type). BS2:Observation of the variant in controls is inconsistent with penetrance of Mitochondrial DNA depletion syndrome 4A (Alpers type). Based on the evidence criteria codes applied, the variant is suggested to be Benign.

GeneDx
Classification: Benign. Last evaluated: 2014-09-18. Review status: criteria provided, single submitter. Criteria: GeneDx Variant Classification (06012015). Collection method: clinical testing. Allele origin: germline. Affected: yes.
Comment: This variant is considered likely benign or benign based on one or more of the following criteria: it is a conservative change, it occurs at a poorly conserved position in the protein, it is predicted to be benign by multiple in silico algorithms, and/or has population frequency not consistent with disease.

NM_002693.3(POLG):c.659+11G>T

Genes: POLG (DNA polymerase gamma, catalytic subunit; minus strand), POLGARF (POLG alternative reading frame; minus strand). Cytogenetic location: 15q26.1.
Variant type: single nucleotide variant.
Coding change: c.659+11G>T on transcript NM_002693.3 (MANE Select); 11 bases into the intron after coding-DNA position 659, G replaced by T.
Molecular consequence: intron variant.
Genome position (GRCh38, 1-based): chr15:89,333,085, C>A on the plus strand (G>T on the coding strand, the complement: POLG is on the minus strand). VCF-style: chr15-89333085-C-A. GRCh37 (hg19) VCF-style: chr15-89876316-C-A.
Other names: c.659+11G>T (NM_001126131.2).
Identifiers: ClinVar variation 206494 (VCV000206494.10), dbSNP rs3087379, ClinGen allele CA316638.